The following is an entry in ClinVar:

ClinVar aggregate classification (germline): Benign/Likely benign. Review status: criteria provided, multiple submitters, no conflicts (2 of 4 stars). 6 submissions from 6 submitters: Benign (2); Likely benign (2). 2 of the submissions do not count toward it. Last evaluated 2025-10-08.

Conditions:
Cardiovascular phenotype. Identifiers: MedGen CN230736.
Aortic valve disease 2 (AOVD2). Identifiers: MedGen C3542024, MONDO:0013902, OMIM 614823.
Holt-Oram syndrome (HOS). Also called: Ventriculo-radial syndrome; Cardiac-limb syndrome; Heart-hand syndrome, type 1; TBX5-Related Holt-Oram Syndrome. Identifiers: Orphanet 392, MedGen C0265264, MONDO:0007732, OMIM 142900.

Allele frequency attached by ClinVar (database versions not stated): gnomAD 0.00002 and 0.00003; gnomAD exomes 0.00004 and 0.00005; TOPMed 0.00005; ExAC 0.00006; ESP Exome Variant Server 0.00008.
gnomAD v4.1: 67 of 1,612,858 alleles (0.0042%); highest among the groups gnomAD compares: African/African-American, 0.011%; no homozygotes.

Submissions (6):

Labcorp Genetics (formerly Invitae), Labcorp
Classification: Benign for Aortic valve disease 2. Last evaluated: 2025-10-08. Review status: criteria provided, single submitter. Criteria: Invitae Variant Classification Sherloc (09022015). Collection method: clinical testing. Allele origin: germline.

Women's Health and Genetics/Laboratory Corporation of America, LabCorp
Classification: Likely benign. Last evaluated: 2023-04-10. Review status: criteria provided, single submitter. Criteria: LabCorp Variant Classification Summary - May 2015. Collection method: clinical testing. Allele origin: germline.

Ambry Genetics
Classification: Likely benign for Cardiovascular phenotype. Last evaluated: 2022-05-23. Review status: criteria provided, single submitter. Criteria: Ambry Variant Classification Scheme 2023. Collection method: clinical testing. Allele origin: germline.

Illumina Laboratory Services, Illumina
Classification: Benign for Holt-Oram syndrome. Last evaluated: 2017-04-27. Review status: criteria provided, single submitter. Criteria: ICSL Variant Classification Criteria 13 December 2019. Collection method: clinical testing. Allele origin: germline.
Comment: This variant was observed as part of a predisposition screen in an ostensibly healthy population. A literature search was performed for the gene, cDNA change, and amino acid change (where applicable). No publications were found based on this search. Allele frequency data from public databases was too high to be consistent with this variant causing disease. Therefore, this variant is classified as benign.

Clinical Genetics DNA and cytogenetics Diagnostics Lab, Erasmus MC, Erasmus Medical Center
Classification: Uncertain significance. Review status: no assertion criteria provided. Collection method: clinical testing. Allele origin: germline. Affected: yes. Study: VKGL Data-share Consensus. Not counted in ClinVar's aggregate classification.

Laboratory of Diagnostic Genome Analysis, Leiden University Medical Center (LUMC)
Classification: Uncertain significance. Review status: no assertion criteria provided. Collection method: clinical testing. Allele origin: germline. Affected: yes. Study: VKGL Data-share Consensus. Not counted in ClinVar's aggregate classification.

NM_181486.4(TBX5):c.16G>A (p.Glu6Lys)

Gene: TBX5 (T-box transcription factor 5; minus strand). Cytogenetic location: 12q24.21.
Variant type: single nucleotide variant.
Coding change: c.16G>A on transcript NM_181486.4 (MANE Select); coding-DNA position 16, G replaced by A.
Protein change: p.Glu6Lys; replaces glutamic acid 6 with lysine.
Molecular consequence: missense variant. On other transcripts: intron variant (1).
Genome position (GRCh38, 1-based): chr12:114,403,883, C>T on the plus strand (G>A on the coding strand, the complement: TBX5 is on the minus strand). VCF-style: chr12-114403883-C-T. GRCh37 (hg19) VCF-style: chr12-114841688-C-T.
Other names: c.16G>A, p.Glu6Lys (NM_000192.3); c.-3-1963G>A (NM_080717.4); short protein forms E6K.
Identifiers: ClinVar variation 882883 (VCV000882883.13), dbSNP rs145365553, ClinGen allele CA6809742.
Genomic context (GRCh38, chr12:114,403,883, plus strand): 5'-AATCGCAGGGCAGGTCTTTTGCGTCAGGCTCCAGAGGCGTGTGCGCCAGGCCAAAGCCCT[C>T]GTCTGCGTCGGCCATGGTGCGCCCAGGGCCCTGTGCCCGCGCAAGGTTCTGCTCTGAGGA-3'
Protein context (NP_852259.1, residues 1-16): MADAD[Glu6Lys]GFGLAHTPLE